The following is an entry in ClinVar:

ClinVar aggregate classification (germline): Uncertain significance (1 of 4 stars; one submission).

Conditions:
Chédiak-Higashi syndrome (CHS). Also called: Chediak-Higashi Syndrome. Identifiers: Orphanet 167, MedGen C0007965, MONDO:0008963, OMIM 214500.

gnomAD v4.1: 3 of 1,613,772 alleles (0.00019%); highest among the groups gnomAD compares: African/African-American, 0.0013%; no homozygotes.

Submission:

Labcorp Genetics (formerly Invitae), Labcorp
Classification: Uncertain significance for Chédiak-Higashi syndrome. Last evaluated: 2024-03-29. Review status: criteria provided, single submitter. Criteria: Invitae Variant Classification Sherloc (09022015). Collection method: clinical testing. Allele origin: germline.
Comment: This sequence change replaces glutamic acid, which is acidic and polar, with glutamine, which is neutral and polar, at codon 1036 of the LYST protein (p.Glu1036Gln). This variant is present in population databases (no rsID available, gnomAD 0.0009%). This variant has not been reported in the literature in individuals affected with LYST-related conditions. An algorithm developed to predict the effect of missense changes on protein structure and function (PolyPhen-2) suggests that this variant¬†is likely to be tolerated. In summary, the available evidence is currently insufficient to determine the role of this variant in disease. Therefore, it has been classified as a Variant of Uncertain Significance.

NM_000081.4(LYST):c.3106G>C (p.Glu1036Gln)

Gene: LYST (lysosomal trafficking regulator; minus strand). Cytogenetic location: 1q42.3.
Variant type: single nucleotide variant.
Coding change: c.3106G>C on transcript NM_000081.4 (MANE Select); coding-DNA position 3106, G replaced by C.
Protein change: p.Glu1036Gln; replaces glutamic acid 1036 with glutamine.
Molecular consequence: missense variant.
Genome position (GRCh38, 1-based): chr1:235,806,030, C>G on the plus strand (G>C on the coding strand, the complement: LYST is on the minus strand). VCF-style: chr1-235806030-C-G. GRCh37 (hg19) VCF-style: chr1-235969330-C-G.
Other names: c.3106G>C, p.Glu1036Gln (NM_001301365.1); short protein forms E1036Q.
Identifiers: ClinVar variation 3666062 (VCV003666062.1).